The following is an entry in ClinVar:

NM_014339.7(IL17RA):c.162T>C (p.Asn54=)

Gene: IL17RA (interleukin 17 receptor A; plus strand). Cytogenetic location: 22q11.1.
Variant type: single nucleotide variant.
Coding change: c.162T>C on transcript NM_014339.7 (MANE Select); coding-DNA position 162, T replaced by C.
Protein change: p.Asn54=; no amino-acid change (asparagine 54 retained).
Molecular consequence: synonymous variant.
Genome position (GRCh38, 1-based): chr22:17,097,085, T>C. VCF-style: chr22-17097085-T-C. GRCh37 (hg19) VCF-style: chr22-17577975-T-C.
Other names: c.162T>C, p.Asn54= (NM_001289905.2).
Identifiers: ClinVar variation 1512714 (VCV001512714.5), dbSNP rs538846008, ClinGen allele CA10086234.

ClinVar aggregate classification (germline): Uncertain significance (1 of 4 stars; one submission).

Conditions:
Immunodeficiency 51 (IMD51). Also called: CANDIDIASIS, FAMILIAL, 5. Identifiers: Orphanet 1334, MedGen C4310803, MONDO:0013500, OMIM 613953.

Allele frequency attached by ClinVar (database versions not stated): gnomAD exomes below 0.00001 and 0.00001; ExAC 0.00002.
gnomAD v4.1: 3 of 1,613,244 alleles (0.00019%); highest among the groups gnomAD compares: Admixed American, 0.0017%; no homozygotes.

Submission:

Labcorp Genetics (formerly Invitae), Labcorp
Classification: Uncertain significance for Immunodeficiency 51. Last evaluated: 2021-08-13. Review status: criteria provided, single submitter. Criteria: Invitae Variant Classification Sherloc (09022015). Collection method: clinical testing. Allele origin: germline.
Comment: This sequence change affects codon 54 of the IL17RA mRNA. It is a 'silent' change, meaning that it does not change the encoded amino acid sequence of the IL17RA protein. It affects a nucleotide within the consensus splice site of the intron. This variant is present in population databases (rs538846008, ExAC 0.009%). This variant has not been reported in the literature in individuals affected with IL17RA-related conditions. Algorithms developed to predict the effect of sequence changes on RNA splicing suggest that this variant is not likely to affect RNA splicing. In summary, the available evidence is currently insufficient to determine the role of this variant in disease. Therefore, it has been classified as a Variant of Uncertain Significance.